The following is an entry in ClinVar:

ClinVar aggregate classification (germline): Uncertain significance. Review status: criteria provided, single submitter (1 of 4 stars). 2 submissions from 2 submitters: Uncertain significance (1). 1 of the submissions does not count toward it. Last evaluated 2025-04-03.

Allele frequency attached by ClinVar (database versions not stated): gnomAD exomes 0.00009; ExAC 0.00011; TOPMed 0.00012; ESP Exome Variant Server 0.00015; 1000 Genomes Project 30x 0.00031; 1000 Genomes Project 0.00040.
gnomAD v4.1: 180 of 1,614,118 alleles (0.011%); highest among the groups gnomAD compares: African/African-American, 0.015%; no homozygotes.

Submissions (2):

Labcorp Genetics (formerly Invitae), Labcorp
Classification: Uncertain significance. Last evaluated: 2025-04-03. Review status: criteria provided, single submitter. Criteria: Invitae Variant Classification Sherloc (09022015). Collection method: clinical testing. Allele origin: germline.
Comment: This sequence change replaces alanine, which is neutral and non-polar, with valine, which is neutral and non-polar, at codon 575 of the TET2 protein (p.Ala575Val). This variant is present in population databases (rs199640757, gnomAD 0.02%). This variant has not been reported in the literature in individuals affected with TET2-related conditions. ClinVar contains an entry for this variant (Variation ID: 135311). An algorithm developed to predict the effect of missense changes on protein structure and function (PolyPhen-2) suggests that this variant is likely to be disruptive. In summary, the available evidence is currently insufficient to determine the role of this variant in disease. Therefore, it has been classified as a Variant of Uncertain Significance.

ITMI
No classification provided. Condition: AllHighlyPenetrant. Last evaluated: 2013-09-19. Review status: no classification provided. Collection method: reference population. Allele origin: germline. Not counted in ClinVar's aggregate classification.
Comment: Please see associated publication for description of ethnicities

Literature cited by the submitters: PubMed 24728327 (cited by ITMI).

NM_001127208.3(TET2):c.1724C>T (p.Ala575Val)

Genes: TET2 (tet methylcytosine dioxygenase 2; plus strand), TET2-AS1 (TET2 antisense RNA 1; minus strand). Cytogenetic location: 4q24.
Variant type: single nucleotide variant.
Coding change: c.1724C>T on transcript NM_001127208.3 (MANE Select); coding-DNA position 1724, C replaced by T.
Protein change: p.Ala575Val; replaces alanine 575 with valine.
Molecular consequence: missense variant.
Genome position (GRCh38, 1-based): chr4:105,235,666, C>T. VCF-style: chr4-105235666-C-T. GRCh37 (hg19) VCF-style: chr4-106156823-C-T.
Other names: c.1724C>T, p.Ala575Val (NM_017628.4); short protein forms A575V.
Identifiers: ClinVar variation 135311 (VCV000135311.5), dbSNP rs199640757, ClinGen allele CA162320.